The following is an entry in ClinVar:

ClinVar aggregate classification (germline): Uncertain significance (1 of 4 stars; one submission).

Submission:

GeneDx
Classification: Uncertain significance. Last evaluated: 2024-03-23. Review status: criteria provided, single submitter. Criteria: GeneDx Variant Classification Process June 2021. Collection method: clinical testing. Allele origin: germline. Affected: yes.
Comment: Not observed at significant frequency in large population cohorts (gnomAD); In silico analysis supports a deleterious effect on splicing; Has not been previously published as pathogenic or benign to our knowledge

NM_001267550.2(TTN):c.24504A>C (p.Lys8168Asn)

Gene: TTN (titin; minus strand). Cytogenetic location: 2q31.2.
Variant type: single nucleotide variant.
Coding change: c.24504A>C on transcript NM_001267550.2 (MANE Select); coding-DNA position 24504, A replaced by C.
Protein change: p.Lys8168Asn; replaces lysine 8168 with asparagine.
Molecular consequence: missense variant. On other transcripts: intron variant (3).
Genome position (GRCh38, 1-based): chr2:178,718,696, T>G on the plus strand (A>C on the coding strand, the complement: TTN is on the minus strand). VCF-style: chr2-178718696-T-G. GRCh37 (hg19) VCF-style: chr2-179583423-T-G.
Other names: c.23553A>C, p.Lys7851Asn (NM_001256850.1); c.20772A>C, p.Lys6924Asn (NM_133378.4); c.13282+19386A>C (NM_003319.4); c.13858+19386A>C (NM_133437.4); c.13657+19386A>C (NM_133432.3); short protein forms K6924N, K7851N, K8168N.
Identifiers: ClinVar variation 3371105 (VCV003371105.1).
Genomic context (GRCh38, chr2:178,718,696, plus strand): 5'-TTCTAATGAAGACTTAAGAGAAATTTTAAAAGATGTATATATTGGGGGAAAGAGCAAACC[T>G]TTCACAAAAAGATGTGTGGTACAGGAAGCACTGCCAGCATCATTTGTAACGAGGCAAGAA-3'
Protein context (NP_001254479.2, residues 8158-8178): SASCTTHLFV[Lys8168Asn]EPATFVKRLA